The following is an entry in ClinVar:

ClinVar aggregate classification (germline): Uncertain significance. Review status: criteria provided, multiple submitters, no conflicts (2 of 4 stars). 3 submissions from 3 submitters: Uncertain significance (2). 1 of the submissions does not count toward it. Last evaluated 2025-10-14.

Conditions:
Hereditary cancer-predisposing syndrome. Also called: Neoplastic Syndromes, Hereditary; Hereditary Cancer Syndrome; Hereditary neoplastic syndrome; Tumor predisposition. Identifiers: Orphanet 140162, MedGen C0027672, MeSH D009386, MONDO:0015356.
Bloom syndrome (BLM). Also called: Bloom-Torre-Machacek syndrome. Identifiers: Orphanet 125, MedGen C0005859, MONDO:0008876, OMIM 210900.

Allele frequency attached by ClinVar (database versions not stated): gnomAD exomes below 0.00001; TOPMed below 0.00001.
gnomAD v4.1: 1 of 1,605,280 alleles (0.000062%); highest among the groups gnomAD compares: African/African-American, 0.0013%; no homozygotes.

Submissions (3):

Labcorp Genetics (formerly Invitae), Labcorp
Classification: Uncertain significance for Bloom syndrome. Last evaluated: 2025-10-14. Review status: criteria provided, single submitter. Criteria: Invitae Variant Classification Sherloc (09022015). Collection method: clinical testing. Allele origin: germline.
Comment: This sequence change replaces glutamine, which is neutral and polar, with lysine, which is basic and polar, at codon 752 of the BLM protein (p.Gln752Lys). This variant is present in population databases (no rsID available, gnomAD 0.007%). This variant has not been reported in the literature in individuals affected with BLM-related conditions. ClinVar contains an entry for this variant (Variation ID: 1060697). Invitae Evidence Modeling of protein sequence and biophysical properties (such as structural, functional, and spatial information, amino acid conservation, physicochemical variation, residue mobility, and thermodynamic stability) indicates that this missense variant is not expected to disrupt BLM protein function with a negative predictive value of 80%. In summary, the available evidence is currently insufficient to determine the role of this variant in disease. Therefore, it has been classified as a Variant of Uncertain Significance.

Ambry Genetics
Classification: Uncertain significance for Hereditary cancer-predisposing syndrome. Last evaluated: 2024-10-21. Review status: criteria provided, single submitter. Criteria: Ambry Variant Classification Scheme 2023. Collection method: clinical testing. Allele origin: germline.
Comment: The p.Q752K variant (also known as c.2254C>A), located in coding exon 9 of the BLM gene, results from a C to A substitution at nucleotide position 2254. The glutamine at codon 752 is replaced by lysine, an amino acid with similar properties. This amino acid position is highly conserved in available vertebrate species. In addition, the in silico prediction for this alteration is inconclusive. Since supporting evidence is limited at this time, the clinical significance of this alteration remains unclear.

Natera, Inc.
Classification: Uncertain significance for Bloom syndrome. Last evaluated: 2019-07-30. Review status: no assertion criteria provided. Collection method: clinical testing. Allele origin: germline. Not counted in ClinVar's aggregate classification.

NM_000057.4(BLM):c.2254C>A (p.Gln752Lys)

Gene: BLM (BLM RecQ like helicase; plus strand). Cytogenetic location: 15q26.1.
Variant type: single nucleotide variant.
Coding change: c.2254C>A on transcript NM_000057.4 (MANE Select); coding-DNA position 2254, C replaced by A.
Protein change: p.Gln752Lys; replaces glutamine 752 with lysine.
Molecular consequence: missense variant.
Genome position (GRCh38, 1-based): chr15:90,766,970, C>A. VCF-style: chr15-90766970-C-A. GRCh37 (hg19) VCF-style: chr15-91310200-C-A.
Other names: c.2254C>A, p.Gln752Lys (NM_001287246.2, NM_001287247.2); c.1129C>A, p.Gln377Lys (NM_001287248.2); c.2254C>A (NM_000057.2); short protein forms Q377K, Q752K.
Identifiers: ClinVar variation 1060697 (VCV001060697.13), dbSNP rs1424485988, ClinGen allele CA393844891.
Genomic context (GRCh38, chr15:90,766,970, plus strand): 5'-ATTCCAGCTACATATCTGACAGGTGATAAGACTGACTCAGAAGCTACAAATATTTACCTC[C>A]AGTTATCAAAAAAAGACCCAATCATAAAACTTCTATATGTCACTCCAGAAAAGGTTTGTA-3'
Protein context (NP_000048.1, residues 742-762): TDSEATNIYL[Gln752Lys]LSKKDPIIKL